The following is an entry in ClinVar:

ClinVar aggregate classification (germline): Pathogenic (1 of 4 stars; one submission).

Conditions:
Spastic paraplegia. Identifiers: MedGen C0037772, HP:0001258.

Submission:

Labcorp Genetics (formerly Invitae), Labcorp
Classification: Pathogenic for Spastic paraplegia. Last evaluated: 2021-07-30. Review status: criteria provided, single submitter. Criteria: Invitae Variant Classification Sherloc (09022015). Collection method: clinical testing. Allele origin: germline.
Comment: For these reasons, this variant has been classified as Pathogenic. This variant disrupts a region of the SACS protein in which other variant(s) (p.Tyr4538*) have been determined to be pathogenic (Invitae). This suggests that this is a clinically significant region of the protein, and that variants that disrupt it are likely to be disease-causing. Algorithms developed to predict the effect of sequence changes on RNA splicing suggest that this variant may create or strengthen a splice site. This variant has not been reported in the literature in individuals affected with SACS-related conditions. This variant is not present in population databases (ExAC no frequency). This sequence change creates a premature translational stop signal (p.Val1115Glyfs*6) in the SACS gene. While this is not anticipated to result in nonsense mediated decay, it is expected to disrupt the last 3465 amino acid(s) of the SACS protein.

NM_014363.6(SACS):c.3343dup (p.Val1115fs)

Gene: SACS (sacsin molecular chaperone; minus strand). Cytogenetic location: 13q12.12.
Variant type: Duplication.
Coding change: c.3343dup on transcript NM_014363.6 (MANE Select); coding-DNA position 3343, one base duplicated (G; older notation c.3343dupG).
Protein change: p.Val1115fs; shifts the reading frame from valine 1115.
Molecular consequence: frameshift variant.
Genome position (GRCh38, 1-based): chr13:23,340,533, C duplicated on the plus strand (G on the coding strand, the reverse complement: SACS is on the minus strand); the first of 2 consecutive C bases (chr13:23,340,533-23,340,534); duplicating either gives the same sequence. VCF-style (leftmost placement, unchanged base first): chr13-23340532-A-AC. GRCh37 (hg19) VCF-style: chr13-23914671-A-AC.
Other names: c.2902dup, p.Val968fs (NM_001278055.2); short protein forms V1115fs, V968fs.
Identifiers: ClinVar variation 1390861 (VCV001390861.6), dbSNP rs2137636328, ClinGen allele CA2573149124.